The following is an entry in ClinVar:

NM_002203.4(ITGA2):c.85G>A (p.Ala29Thr)

Gene: ITGA2 (integrin subunit alpha 2; plus strand). Cytogenetic location: 5q11.2.
Variant type: single nucleotide variant.
Coding change: c.85G>A on transcript NM_002203.4 (MANE Select); coding-DNA position 85, G replaced by A.
Protein change: p.Ala29Thr; replaces alanine 29 with threonine.
Molecular consequence: missense variant. On other transcripts: non-coding transcript variant (4).
Genome position (GRCh38, 1-based): chr5:53,026,768, G>A. VCF-style: chr5-53026768-G-A. GRCh37 (hg19) VCF-style: chr5-52322598-G-A.
Other names: short protein forms A29T.
Identifiers: ClinVar variation 1310989 (VCV001310989.2), dbSNP rs374701439, ClinGen allele CA3262496.

ClinVar aggregate classification (germline): Uncertain significance (1 of 4 stars; one submission).

Allele frequency attached by ClinVar (database versions not stated): gnomAD 0.00003; ExAC 0.00005; gnomAD exomes 0.00005 and 0.00007; TOPMed 0.00006; ESP Exome Variant Server 0.00008.
gnomAD v4.1: 103 of 1,610,788 alleles (0.0064%); highest among the groups gnomAD compares: Non-Finnish European, 0.0084%; no homozygotes.

Submission:

GeneDx
Classification: Uncertain significance. Last evaluated: 2019-09-03. Review status: criteria provided, single submitter. Criteria: GeneDx Variant Classification Process June 2021. Collection method: clinical testing. Allele origin: germline. Affected: yes.
Comment: In silico analysis, which includes protein predictors and evolutionary conservation, supports that this variant does not alter protein structure/function; Has not been previously published as pathogenic or benign to our knowledge